The following is an entry in ClinVar:

NM_007294.4(BRCA1):c.5083_5084insG (p.Phe1695fs)

Gene: BRCA1 (BRCA1 DNA repair associated; minus strand). Cytogenetic location: 17q21.31.
Variant type: Insertion.
Coding change: c.5083_5084insG on transcript NM_007294.4 (MANE Select); coding-DNA positions 5083 to 5084, G inserted.
Protein change: p.Phe1695fs; shifts the reading frame from phenylalanine 1695.
Molecular consequence: frameshift variant. On other transcripts: non-coding transcript variant (1).
Genome position: GRCh38 VCF-style: chr17-43063942-A-AC. GRCh37 (hg19) VCF-style: chr17-41215959-A-AC.
Other names: 5202insG; c.1771_1772insG, p.Phe591Cysfs (NM_007298.4, NM_007304.2, NM_001407979.1 and 12 more transcripts); c.1771_1772insG, p.Phe591fs (NM_007299.4); c.5146_5147insG, p.Phe1716fs (NM_007300.4); c.5077_5078insG, p.Phe1693Cysfs (NM_001407635.1, NM_001407636.1, NM_001407637.1 and 14 more transcripts); c.5074_5075insG, p.Phe1692Cysfs (NM_001407644.1, NM_001407645.1); c.5071_5072insG, p.Phe1691Cysfs (NM_001407646.1); c.5068_5069insG, p.Phe1690Cysfs (NM_001407647.1); and 75 more; short protein forms F1648fs, F1716fs, F591fs, F1695fs.
Identifiers: ClinVar variation 266523 (VCV000266523.7), dbSNP rs886040270, ClinGen allele CA10589619.

ClinVar aggregate classification (germline): Pathogenic. Review status: reviewed by expert panel (3 of 4 stars). 2 submissions from 2 submitters: Pathogenic (1). 1 of the submissions does not count toward it. Last evaluated 2016-10-18.

Conditions:
Breast-ovarian cancer, familial, susceptibility to, 1 (BROVCA1). Also called: BRCA1 Hereditary Breast and Ovarian Cancer; OVARIAN CANCER, SUSCEPTIBILITY TO. Identifiers: Orphanet 145, MedGen C2676676, MONDO:0011450, OMIM 604370. Disease mechanism: loss of function.

Submissions (2):

Evidence-based Network for the Interpretation of Germline Mutant Alleles (ENIGMA)
Classification: Pathogenic for Breast-ovarian cancer, familial, susceptibility to, 1. Last evaluated: 2016-10-18. Review status: reviewed by expert panel. Criteria: ENIGMA BRCA1/2 Classification Criteria (2015). Collection method: curation. Allele origin: germline.
Comment: Variant allele predicted to encode a truncated non-functional protein.

Consortium of Investigators of Modifiers of BRCA1/2 (CIMBA), c/o University of Cambridge
Classification: Pathogenic for Breast-ovarian cancer, familial, susceptibility to, 1. Last evaluated: 2015-10-02. Review status: criteria provided, single submitter. Criteria: CIMBA Mutation Classification guidelines May 2016. Collection method: clinical testing. Allele origin: germline. Not counted in ClinVar's aggregate classification.